The following is an entry in ClinVar:

NC_000007.14:g.(?_148807626)_(148819707_?)dup

Gene: EZH2 (enhancer of zeste 2 polycomb repressive complex 2 subunit; minus strand). Cytogenetic location: 7q36.1.
Variant type: Duplication.
Identifiers: ClinVar variation 830898 (VCV000830898.8).

ClinVar aggregate classification (germline): Uncertain significance (1 of 4 stars; one submission).

Conditions:
Weaver syndrome (WVS). Also called: Weaver Smith syndrome; Overgrowth syndrome with accelerated skeletal maturation, unusual facies, and camptodactyly. Identifiers: Orphanet 3447, MedGen C0265210, MONDO:0010193, OMIM 277590.

Submission:

Labcorp Genetics (formerly Invitae), Labcorp
Classification: Uncertain significance for Weaver syndrome. Last evaluated: 2019-03-07. Review status: criteria provided, single submitter. Criteria: Invitae Variant Classification Sherloc (09022015). Collection method: clinical testing. Allele origin: germline.
Comment: In summary, the available evidence is currently insufficient to determine the role of this variant in disease. Therefore, it has been classified as a Variant of Uncertain Significance. Experimental studies are not available for this variant, and the functional significance of a copy number gain of these exons is currently unknown. This variant has not been reported in the literature in individuals with EZH2-related conditions. This variant results in a copy number gain of the genomic region encompassing exons 9-20 of the EZH2 gene. The 5' boundary is likely confined to intron 8. The 3' end of this event is unknown as it extends beyond the assayed region for this gene and therefore may encompass additional genes. As the precise location of this event is unknown, it may be in tandem or it may be located elsewhere in the genome.